The following is an entry in ClinVar:

NM_058195.4(CDKN2A):c.95G>A (p.Gly32Glu)

Gene: CDKN2A (cyclin dependent kinase inhibitor 2A; minus strand). Cytogenetic location: 9p21.3.
Variant type: single nucleotide variant.
Coding change: c.95G>A on transcript NM_058195.4 (MANE Plus Clinical); coding-DNA position 95, G replaced by A.
Protein change: p.Gly32Glu; replaces glycine 32 with glutamic acid.
Molecular consequence: missense variant. On other transcripts: intron variant (1).
Genome position (GRCh38, 1-based): chr9:21,994,237, C>T on the plus strand (G>A on the coding strand, the complement: CDKN2A is on the minus strand). VCF-style: chr9-21994237-C-T. GRCh37 (hg19) VCF-style: chr9-21994236-C-T.
Other names: c.-4+584G>A (NM_001363763.2); short protein forms G32E.
Identifiers: ClinVar variation 483320 (VCV000483320.11), dbSNP rs370655358, ClinGen allele CA373086957.

ClinVar aggregate classification (germline): Uncertain significance. Review status: criteria provided, multiple submitters, no conflicts (2 of 4 stars). 2 submissions from 2 submitters: Uncertain significance (2). Last evaluated 2022-06-28.

Conditions:
Familial melanoma. Also called: Hereditary melanoma; Hereditary cutaneous melanoma. Identifiers: Orphanet 618, MedGen C1512419, MONDO:0018961.
Hereditary cancer-predisposing syndrome. Also called: Neoplastic Syndromes, Hereditary; Hereditary Cancer Syndrome; Tumor predisposition; Hereditary neoplastic syndrome. Identifiers: Orphanet 140162, MedGen C0027672, MeSH D009386, MONDO:0015356.

Submissions (2):

Ambry Genetics
Classification: Uncertain significance for Hereditary cancer-predisposing syndrome. Last evaluated: 2022-06-28. Review status: criteria provided, single submitter. Criteria: Ambry Variant Classification Scheme 2023. Collection method: clinical testing. Allele origin: germline.
Comment: The p.G32E variant (also known as c.95G>A), located in coding exon 1 of the CDKN2A (p14ARF) gene, results from a G to A substitution at nucleotide position 95. The glycine at codon 32 is replaced by glutamic acid, an amino acid with similar properties. This amino acid position is not well conserved in available vertebrate species. In addition, this alteration is predicted to be tolerated by in silico analysis. Since supporting evidence is limited at this time, the clinical significance of this alteration remains unclear.

Labcorp Genetics (formerly Invitae), Labcorp
Classification: Uncertain significance for Familial melanoma. Last evaluated: 2021-08-12. Review status: criteria provided, single submitter. Criteria: Invitae Variant Classification Sherloc (09022015). Collection method: clinical testing. Allele origin: germline.